The following is an entry in ClinVar:

NM_020975.6(RET):c.2060A>G (p.Tyr687Cys)

Gene: RET (ret proto-oncogene; plus strand). Cytogenetic location: 10q11.21.
Variant type: single nucleotide variant.
Coding change: c.2060A>G on transcript NM_020975.6 (MANE Select); coding-DNA position 2060, A replaced by G.
Protein change: p.Tyr687Cys; replaces tyrosine 687 with cysteine.
Molecular consequence: missense variant.
Genome position (GRCh38, 1-based): chr10:43,114,660, A>G. VCF-style: chr10-43114660-A-G. GRCh37 (hg19) VCF-style: chr10-43610108-A-G.
Other names: c.2060A>G, p.Tyr687Cys (NM_000323.2, NM_001406743.1, NM_001406744.1 and 4 more transcripts); c.1298A>G, p.Tyr433Cys (NM_001355216.2); c.1931A>G, p.Tyr644Cys (NM_001406761.1, NM_001406762.1, NM_001406764.1); c.1925A>G, p.Tyr642Cys (NM_001406763.1, NM_001406765.1); c.1772A>G, p.Tyr591Cys (NM_001406766.1, NM_001406767.1, NM_001406770.1); c.1796A>G, p.Tyr599Cys (NM_001406768.1); c.1664A>G, p.Tyr555Cys (NM_001406769.1, NM_001406772.1); c.1622A>G, p.Tyr541Cys (NM_001406771.1, NM_001406773.1); and 10 more; short protein forms Y433C, Y687C, Y357C, Y388C, Y445C, Y252C, Y512C, Y555C.
Identifiers: ClinVar variation 820626 (VCV000820626.18), dbSNP rs778793244, ClinGen allele CA037144.

ClinVar aggregate classification (germline): Uncertain significance. Review status: criteria provided, multiple submitters, no conflicts (2 of 4 stars). 7 submissions from 7 submitters: Uncertain significance (7). Last evaluated 2025-10-02.

Conditions:
Hereditary cancer-predisposing syndrome. Also called: Tumor predisposition; Hereditary neoplastic syndrome; Neoplastic Syndromes, Hereditary; Hereditary Cancer Syndrome. Identifiers: Orphanet 140162, MedGen C0027672, MeSH D009386, MONDO:0015356.
Multiple endocrine neoplasia, type 2 (MEN2). Identifiers: Orphanet 653, MedGen C4048306, MONDO:0019003. Disease mechanism: gain of function.

Allele frequency attached by ClinVar (database versions not stated): ExAC 0.00001; TOPMed 0.00001; gnomAD exomes 0.00002; gnomAD 0.00003.
gnomAD v4.1: 12 of 1,611,054 alleles (0.00074%); highest among the groups gnomAD compares: African/African-American, 0.0054%; no homozygotes.

Submissions (7):

Labcorp Genetics (formerly Invitae), Labcorp
Classification: Uncertain significance for Multiple endocrine neoplasia, type 2. Last evaluated: 2025-10-02. Review status: criteria provided, single submitter. Criteria: Invitae Variant Classification Sherloc (09022015). Collection method: clinical testing. Allele origin: germline.
Comment: This sequence change replaces tyrosine, which is neutral and polar, with cysteine, which is neutral and slightly polar, at codon 687 of the RET protein (p.Tyr687Cys). This variant is present in population databases (rs778793244, gnomAD 0.008%). This variant has not been reported in the literature in individuals affected with RET-related conditions. ClinVar contains an entry for this variant (Variation ID: 820626). An algorithm developed to predict the effect of missense changes on protein structure and function (PolyPhen-2) suggests that this variant is likely to be tolerated. In summary, the available evidence is currently insufficient to determine the role of this variant in disease. Therefore, it has been classified as a Variant of Uncertain Significance.

Ambry Genetics
Classification: Uncertain significance for Hereditary cancer-predisposing syndrome. Last evaluated: 2025-05-29. Review status: criteria provided, single submitter. Criteria: Ambry Variant Classification Scheme 2023. Collection method: clinical testing. Allele origin: germline.
Comment: The p.Y687C variant (also known as c.2060A>G), located in coding exon 11 of the RET gene, results from an A to G substitution at nucleotide position 2060. The tyrosine at codon 687 is replaced by cysteine, an amino acid with highly dissimilar properties. This amino acid position is well conserved in available vertebrate species. In addition, the in silico prediction for this alteration is inconclusive. Since supporting evidence is limited at this time, the clinical significance of this alteration remains unclear.

GeneDx
Classification: Uncertain significance. Last evaluated: 2025-01-21. Review status: criteria provided, single submitter. Criteria: GeneDx Variant Classification Process June 2021. Collection method: clinical testing. Allele origin: germline. Affected: yes.
Comment: Not observed at significant frequency in large population cohorts (gnomAD); In silico analysis supports that this missense variant has a deleterious effect on protein structure/function; Has not been previously published as pathogenic or benign to our knowledge; This variant is associated with the following publications: (PMID: 14633923)

Quest Diagnostics Nichols Institute San Juan Capistrano
Classification: Uncertain significance. Last evaluated: 2025-01-11. Review status: criteria provided, single submitter. Criteria: Quest Diagnostics criteria. Collection method: clinical testing. Allele origin: unknown.

Blueprint Genetics
Classification: Uncertain significance. Last evaluated: 2024-02-09. Review status: criteria provided, single submitter. Criteria: ACMG Guidelines, 2015. Collection method: clinical testing. Allele origin: germline.

All of Us Research Program, National Institutes of Health
Classification: Uncertain significance for Multiple endocrine neoplasia, type 2. Last evaluated: 2023-11-28. Review status: criteria provided, single submitter. Criteria: ACMG Guidelines, 2015. Collection method: clinical testing. Allele origin: germline. Inheritance: Autosomal dominant inheritance. Observed: 3 variant alleles, 3 heterozygotes.
Comment: This missense variant replaces tyrosine with cysteine at codon 687 of the RET protein. Computational prediction is inconclusive regarding the impact of this variant on protein structure and function (internally defined REVEL score threshold 0.5 < inconclusive < 0.7, PMID: 27666373). To our knowledge, functional studies have not been reported for this variant. This variant has not been reported in individuals affected with hereditary cancer in the literature. This variant has been identified in 5/281370 chromosomes in the general population by the Genome Aggregation Database (gnomAD). The available evidence is insufficient to determine the role of this variant in disease conclusively. Therefore, this variant is classified as a Variant of Uncertain Significance.

This study involves interpretation of variants in research participants for the purpose of population health screening. Participant phenotype was not available at the time of variant classification. Additional details can be found in publication PMID: 35346344, PMCID: PMC8962531

Color Diagnostics, LLC DBA Color Health
Classification: Uncertain significance for Multiple endocrine neoplasia, type 2. Last evaluated: 2023-09-13. Review status: criteria provided, single submitter. Criteria: ACMG Guidelines, 2015. Collection method: clinical testing. Allele origin: germline.
Comment: This missense variant replaces tyrosine with cysteine at codon 687 of the RET protein. Computational prediction is inconclusive regarding the impact of this variant on protein structure and function. To our knowledge, functional studies have not been reported for this variant. This variant has not been reported in individuals affected with hereditary cancer in the literature. This variant has been identified in 5/281370 chromosomes in the general population by the Genome Aggregation Database (gnomAD). The available evidence is insufficient to determine the role of this variant in disease conclusively. Therefore, this variant is classified as a Variant of Uncertain Significance.